The following is an entry in ClinVar:

ClinVar aggregate classification (germline): Uncertain significance (1 of 4 stars; one submission).

Submission:

GeneDx
Classification: Uncertain significance. Last evaluated: 2023-11-16. Review status: criteria provided, single submitter. Criteria: GeneDx Variant Classification Process June 2021. Collection method: clinical testing. Allele origin: germline. Affected: yes.
Comment: Frameshift variant predicted to result in abnormal protein length as the last 185 amino acids are replaced with 102 different amino acids; Not observed at significant frequency in large population cohorts (gnomAD); Has not been previously published as pathogenic or benign to our knowledge

NM_015466.4(PTPN23):c.4355dup (p.His1452fs)

Gene: PTPN23 (protein tyrosine phosphatase non-receptor type 23; plus strand). Cytogenetic location: 3p21.31.
Variant type: Duplication.
Coding change: c.4355dup on transcript NM_015466.4 (MANE Select); coding-DNA position 4355, one base duplicated (A; older notation c.4355dupA).
Protein change: p.His1452fs; shifts the reading frame from histidine 1452.
Molecular consequence: frameshift variant.
Genome position (GRCh38, 1-based): chr3:47,412,551, A duplicated. VCF-style (leftmost placement, unchanged base first): chr3-47412550-C-CA. GRCh37 (hg19) VCF-style: chr3-47454040-C-CA.
Other names: c.3977dup, p.His1326fs (NM_001304482.2); short protein forms H1326fs, H1452fs.
Identifiers: ClinVar variation 3364310 (VCV003364310.1).